The following is an entry in ClinVar:

NM_021008.4(DEAF1):c.1054G>A (p.Ala352Thr)

Gene: DEAF1 (DEAF1 transcription factor; minus strand). Cytogenetic location: 11p15.5.
Variant type: single nucleotide variant.
Coding change: c.1054G>A on transcript NM_021008.4 (MANE Select); coding-DNA position 1054, G replaced by A.
Protein change: p.Ala352Thr; replaces alanine 352 with threonine.
Molecular consequence: missense variant.
Genome position (GRCh38, 1-based): chr11:679,760, C>T on the plus strand (G>A on the coding strand, the complement: DEAF1 is on the minus strand). VCF-style: chr11-679760-C-T. GRCh37 (hg19) VCF-style: chr11-679760-C-T.
Other names: c.787G>A, p.Ala263Thr (NM_001293634.2); c.328G>A, p.Ala110Thr (NM_001367390.1); short protein forms A110T, A263T, A352T.
Identifiers: ClinVar variation 1880501 (VCV001880501.7), dbSNP rs1860260781, ClinGen allele CA378926386.

ClinVar aggregate classification (germline): Uncertain significance. Review status: criteria provided, multiple submitters, no conflicts (2 of 4 stars). 3 submissions from 3 submitters: Uncertain significance (3). Last evaluated 2025-08-10.

Conditions:
Inborn genetic diseases. Identifiers: MedGen C0950123, MeSH D030342.

Allele frequency attached by ClinVar (database versions not stated): TOPMed 0.00001.

Submissions (3):

Ambry Genetics
Classification: Uncertain significance for Inborn genetic diseases. Last evaluated: 2025-08-10. Review status: criteria provided, single submitter. Criteria: Ambry Variant Classification Scheme 2023. Collection method: clinical testing. Allele origin: germline.

Labcorp Genetics (formerly Invitae), Labcorp
Classification: Uncertain significance. Last evaluated: 2025-03-11. Review status: criteria provided, single submitter. Criteria: Invitae Variant Classification Sherloc (09022015). Collection method: clinical testing. Allele origin: germline.
Comment: This sequence change replaces alanine, which is neutral and non-polar, with threonine, which is neutral and polar, at codon 352 of the DEAF1 protein (p.Ala352Thr). This variant is not present in population databases (gnomAD no frequency). This variant has not been reported in the literature in individuals affected with DEAF1-related conditions. ClinVar contains an entry for this variant (Variation ID: 1880501). Invitae Evidence Modeling of protein sequence and biophysical properties (such as structural, functional, and spatial information, amino acid conservation, physicochemical variation, residue mobility, and thermodynamic stability) indicates that this missense variant is not expected to disrupt DEAF1 protein function with a negative predictive value of 95%. In summary, the available evidence is currently insufficient to determine the role of this variant in disease. Therefore, it has been classified as a Variant of Uncertain Significance.

GeneDx
Classification: Uncertain significance. Last evaluated: 2022-12-16. Review status: criteria provided, single submitter. Criteria: GeneDx Variant Classification Process June 2021. Collection method: clinical testing. Allele origin: germline. Affected: yes.
Comment: Not observed at significant frequency in large population cohorts (gnomAD); In silico analysis supports that this missense variant does not alter protein structure/function; Has not been previously published as pathogenic or benign to our knowledge